The following is an entry in ClinVar:

NM_138773.4(SLC25A46):c.626C>T (p.Thr209Ile)

Gene: SLC25A46 (solute carrier family 25 member 46; plus strand). Cytogenetic location: 5q22.1.
Variant type: single nucleotide variant.
Coding change: c.626C>T on transcript NM_138773.4 (MANE Select); coding-DNA position 626, C replaced by T.
Protein change: p.Thr209Ile; replaces threonine 209 with isoleucine.
Molecular consequence: missense variant. On other transcripts: non-coding transcript variant (1).
Genome position (GRCh38, 1-based): chr5:110,756,707, C>T. VCF-style: chr5-110756707-C-T. GRCh37 (hg19) VCF-style: chr5-110092407-C-T.
Other names: c.626C>T, p.Thr209Ile (NM_001303249.3); c.353C>T, p.Thr118Ile (NM_001303250.3); short protein forms T209I, T118I.
Identifiers: ClinVar variation 835430 (VCV000835430.8), dbSNP rs752217990, ClinGen allele CA3364674.

ClinVar aggregate classification (germline): Uncertain significance. Review status: criteria provided, multiple submitters, no conflicts (2 of 4 stars). 2 submissions from 2 submitters: Uncertain significance (2). Last evaluated 2025-04-16.

Conditions:
Neuropathy, hereditary motor and sensory, type 6B (HMSN6B). Also called: Neuropathy, hereditary motor and sensory, type VIB; HMSN VIB; CHARCOT-MARIE-TOOTH DISEASE, TYPE 6B; NEUROPATHY, HEREDITARY MOTOR AND SENSORY, TYPE VIB, WITH OPTIC ATROPHY. Identifiers: MedGen C4225302, MONDO:0014671, OMIM 616505.

Allele frequency attached by ClinVar (database versions not stated): gnomAD exomes 0.00001.
gnomAD v4.1: 17 of 1,573,442 alleles (0.0011%); highest among the groups gnomAD compares: Non-Finnish European, 0.0013%; no homozygotes.

Submissions (2):

GeneDx
Classification: Uncertain significance. Last evaluated: 2025-04-16. Review status: criteria provided, single submitter. Criteria: GeneDx Variant Classification Process June 2021. Collection method: clinical testing. Allele origin: germline. Affected: yes.
Comment: Not observed at significant frequency in large population cohorts (gnomAD); In silico analysis supports that this missense variant has a deleterious effect on protein structure/function; Has not been previously published as pathogenic or benign to our knowledge

Labcorp Genetics (formerly Invitae), Labcorp
Classification: Uncertain significance for Neuropathy, hereditary motor and sensory, type 6B. Last evaluated: 2021-08-24. Review status: criteria provided, single submitter. Criteria: Invitae Variant Classification Sherloc (09022015). Collection method: clinical testing. Allele origin: germline.
Comment: This sequence change replaces threonine with isoleucine at codon 209 of the SLC25A46 protein (p.Thr209Ile). The threonine residue is highly conserved and there is a moderate physicochemical difference between threonine and isoleucine. This variant is present in population databases (rs752217990, ExAC 0.002%). This variant has not been reported in the literature in individuals affected with SLC25A46-related conditions. Algorithms developed to predict the effect of missense changes on protein structure and function are either unavailable or do not agree on the potential impact of this missense change (SIFT: "Deleterious"; PolyPhen-2: "Benign"; Align-GVGD: "Class C0"). In summary, the available evidence is currently insufficient to determine the role of this variant in disease. Therefore, it has been classified as a Variant of Uncertain Significance.